The following is an entry in ClinVar:

NM_003072.5(SMARCA4):c.4214G>A (p.Arg1405Gln)

Gene: SMARCA4 (SWI/SNF related BAF chromatin remodeling complex subunit ATPase 4; plus strand). Cytogenetic location: 19p13.2.
Variant type: single nucleotide variant.
Coding change: c.4214G>A on transcript NM_003072.5 (MANE Select); coding-DNA position 4214, G replaced by A.
Protein change: p.Arg1405Gln; replaces arginine 1405 with glutamine.
Molecular consequence: missense variant. On other transcripts: non-coding transcript variant (1).
Genome position (GRCh38, 1-based): chr19:11,041,350, G>A. VCF-style: chr19-11041350-G-A. GRCh37 (hg19) VCF-style: chr19-11152026-G-A.
Other names: c.4214G>A, p.Arg1405Gln (NM_001128844.3); c.4124G>A, p.Arg1375Gln (NM_001128845.2, NM_001128846.2); c.4115G>A, p.Arg1372Gln (NM_001128847.4, NM_001128848.2, NM_001374457.1); c.4310G>A, p.Arg1437Gln (NM_001128849.3, NM_001387283.1); short protein forms R1437Q, R1372Q, R1375Q, R1405Q.
Identifiers: ClinVar variation 484933 (VCV000484933.18), dbSNP rs1016382250, ClinGen allele CA305294309.

ClinVar aggregate classification (germline): Conflicting classifications of pathogenicity. Review status: criteria provided, conflicting classifications (1 of 4 stars). 4 submissions from 4 submitters: Uncertain significance (2); Likely benign (2). Last evaluated 2026-07-08.

Conditions:
Hereditary cancer-predisposing syndrome. Also called: Tumor predisposition; Neoplastic Syndromes, Hereditary; Hereditary Cancer Syndrome; Hereditary neoplastic syndrome. Identifiers: Orphanet 140162, MedGen C0027672, MeSH D009386, MONDO:0015356.
Intellectual disability, autosomal dominant 16 (CSS4). Also called: COFFIN-SIRIS SYNDROME 4. Identifiers: Orphanet 1465, MedGen C3553249, MONDO:0013821, OMIM 614609.
Rhabdoid tumor predisposition syndrome 2 (RTPS2). Identifiers: Orphanet 231108, Orphanet 69077, MedGen C2750074, MONDO:0013224, OMIM 613325.

Allele frequency attached by ClinVar (database versions not stated): TOPMed below 0.00001; gnomAD exomes 0.00001; gnomAD 0.00001.
gnomAD v4.1: 9 of 1,612,242 alleles (0.00056%); highest among the groups gnomAD compares: Non-Finnish European, 0.00068%; no homozygotes.

Submissions (4):

Myriad Genetics, Inc.
Classification: Likely benign for Rhabdoid tumor predisposition syndrome 2. Last evaluated: 2026-07-08. Review status: criteria provided, single submitter. Criteria: Myriad Autosomal Dominant, Autosomal Recessive and X-Linked Classification Criteria (2023). Collection method: clinical testing. Allele origin: unknown.
Comment: This variant is considered likely benign. This variant has been observed at a population frequency that is significantly greater than expected given the associated disease prevalence and penetrance.

Labcorp Genetics (formerly Invitae), Labcorp
Classification: Uncertain significance for Rhabdoid tumor predisposition syndrome 2. Last evaluated: 2026-01-21. Review status: criteria provided, single submitter. Criteria: Invitae Variant Classification Sherloc (09022015). Collection method: clinical testing. Allele origin: germline.
Comment: This sequence change replaces arginine, which is basic and polar, with glutamine, which is neutral and polar, at codon 1437 of the SMARCA4 protein (p.Arg1437Gln). The frequency data for this variant in the population databases is considered unreliable, as metrics indicate poor data quality at this position in the gnomAD database. This variant has not been reported in the literature in individuals affected with SMARCA4-related conditions. ClinVar contains an entry for this variant (Variation ID: 484933). Invitae Evidence Modeling of protein sequence and biophysical properties (such as structural, functional, and spatial information, amino acid conservation, physicochemical variation, residue mobility, and thermodynamic stability) has been performed for this missense variant. However, the output from this modeling did not meet the statistical confidence thresholds required to predict the impact of this variant on SMARCA4 protein function. In summary, the available evidence is currently insufficient to determine the role of this variant in disease. Therefore, it has been classified as a Variant of Uncertain Significance.

Ambry Genetics
Classification: Likely benign for Hereditary cancer-predisposing syndrome. Last evaluated: 2024-09-05. Review status: criteria provided, single submitter. Criteria: Ambry Variant Classification Scheme 2023. Collection method: clinical testing. Allele origin: germline.

Genome-Nilou Lab
Classification: Uncertain significance for Intellectual disability, autosomal dominant 16. Last evaluated: 2021-07-15. Review status: criteria provided, single submitter. Criteria: ACMG Guidelines, 2015. Collection method: clinical testing. Allele origin: germline. Affected: no.